The following is an entry in ClinVar:

NM_001184.4(ATR):c.4149T>G (p.Phe1383Leu)

Gene: ATR (ATR checkpoint kinase; minus strand). Cytogenetic location: 3q23.
Variant type: single nucleotide variant.
Coding change: c.4149T>G on transcript NM_001184.4 (MANE Select); coding-DNA position 4149, T replaced by G.
Protein change: p.Phe1383Leu; replaces phenylalanine 1383 with leucine.
Molecular consequence: missense variant.
Genome position (GRCh38, 1-based): chr3:142,523,996, A>C on the plus strand (T>G on the coding strand, the complement: ATR is on the minus strand). VCF-style: chr3-142523996-A-C. GRCh37 (hg19) VCF-style: chr3-142242838-A-C.
Other names: c.3957T>G, p.Phe1319Leu (NM_001354579.2); short protein forms F1319L, F1383L.
Identifiers: ClinVar variation 1738223 (VCV001738223.3), dbSNP rs2473264701, ClinGen allele CA354801901.
Genomic context (GRCh38, chr3:142,523,996, plus strand): 5'-ATATAAACCTCAATAGGACAGAGAACTCTTTTGTCATTCCAAATTTCCACTACTTACCAC[A>C]AATGTAAAATCTTTTCCTTGAGTTTCAGTTGTTGAGAAATCTAATCGACCTGGATCTATC-3'
Protein context (NP_001175.2, residues 1373-1393): TTETQGKDFT[Phe1383Leu]VTGVEDSSFA

ClinVar aggregate classification (germline): Uncertain significance (1 of 4 stars; one submission).

Conditions:
Inborn genetic diseases. Identifiers: MedGen C0950123, MeSH D030342.

Submission:

Ambry Genetics
Classification: Uncertain significance for Inborn genetic diseases. Last evaluated: 2024-10-27. Review status: criteria provided, single submitter. Criteria: Ambry Variant Classification Scheme 2023. Collection method: clinical testing. Allele origin: germline.
Comment: The p.F1383L variant (also known as c.4149T>G), located in coding exon 22 of the ATR gene, results from a T to G substitution at nucleotide position 4149. The phenylalanine at codon 1383 is replaced by leucine, an amino acid with highly similar properties. This amino acid position is conserved. In addition, the in silico prediction for this alteration is inconclusive. Since supporting evidence is limited at this time, the clinical significance of this alteration remains unclear.